The following is an entry in ClinVar:

NM_006031.6(PCNT):c.5333C>G (p.Ser1778Cys)

Gene: PCNT (pericentrin; plus strand). Cytogenetic location: 21q22.3.
Variant type: single nucleotide variant.
Coding change: c.5333C>G on transcript NM_006031.6 (MANE Select); coding-DNA position 5333, C replaced by G.
Protein change: p.Ser1778Cys; replaces serine 1778 with cysteine.
Molecular consequence: missense variant.
Genome position (GRCh38, 1-based): chr21:46,411,406, C>G. VCF-style: chr21-46411406-C-G. GRCh37 (hg19) VCF-style: chr21-47831320-C-G.
Other names: c.4979C>G, p.Ser1660Cys (NM_001315529.2); short protein forms S1660C, S1778C.
Identifiers: ClinVar variation 3346166 (VCV003346166.1).

ClinVar aggregate classification (germline): Uncertain significance (0 of 4 stars; one submission).

Conditions:
PCNT-related disorder. Also called: PCNT-related condition.

gnomAD v4.1: 3 of 1,613,524 alleles (0.00019%); highest among the groups gnomAD compares: African/African-American, 0.0027%; no homozygotes.

Submission:

PreventionGenetics, part of Exact Sciences
Classification: Uncertain significance for PCNT-related condition. Last evaluated: 2024-08-23. Review status: no assertion criteria provided. Collection method: clinical testing. Allele origin: germline.
Comment: The PCNT c.5333C>G variant is predicted to result in the amino acid substitution p.Ser1778Cys. To our knowledge, this variant has not been reported in the literature or in a large population database, indicating this variant is rare. At this time, the clinical significance of this variant is uncertain due to the absence of conclusive functional and genetic evidence.